The following is an entry in ClinVar:

NM_000487.6(ARSA):c.849C>G (p.Asp283Glu)

Gene: ARSA (arylsulfatase A; minus strand). Cytogenetic location: 22q13.33.
Variant type: single nucleotide variant.
Coding change: c.849C>G on transcript NM_000487.6 (MANE Select); coding-DNA position 849, C replaced by G.
Protein change: p.Asp283Glu; replaces aspartic acid 283 with glutamic acid.
Molecular consequence: missense variant.
Genome position (GRCh38, 1-based): chr22:50,626,596, G>C on the plus strand (C>G on the coding strand, the complement: ARSA is on the minus strand). VCF-style: chr22-50626596-G-C. GRCh37 (hg19) VCF-style: chr22-51065024-G-C.
Other names: c.849C>G, p.Asp283Glu (NM_001085425.3, NM_001085426.3, NM_001085427.3); c.591C>G, p.Asp197Glu (NM_001085428.3, NM_001362782.2); short protein forms D197E, D283E.
Identifiers: ClinVar variation 3629608 (VCV003629608.1).

ClinVar aggregate classification (germline): Pathogenic (1 of 4 stars; one submission).

Conditions:
Metachromatic leukodystrophy (MLD). Also called: Cerebral sclerosis diffuse metachromatic form; Arylsulfatase A Deficiency; ARSA DEFICIENCY; CEREBROSIDE SULFATASE DEFICIENCY; METACHROMATIC LEUKOENCEPHALOPATHY; SULFATIDE LIPIDOSIS. Identifiers: Orphanet 512, MedGen C0023522, MONDO:0018868, OMIM 250100.

Submission:

Women's Health and Genetics/Laboratory Corporation of America, LabCorp
Classification: Pathogenic for Metachromatic leukodystrophy. Last evaluated: 2024-11-15. Review status: criteria provided, single submitter. Criteria: LabCorp Variant Classification Summary - May 2015. Collection method: clinical testing. Allele origin: germline.
Comment: Variant summary: ARSA c.849C>G (p.Asp283Glu) results in a conservative amino acid change in the encoded protein sequence. Three of four in-silico tools predict a damaging effect of the variant on protein function. The frequency data for this variant in gnomAD is considered unreliable, as metrics indicate poor data quality at this position. c.849C>G has been reported in the literature in the homozygous state in multiple individuals affected with Metachromatic Leukodystrophy (example, Abtahi_2022, Mahdieh_2021). These data indicate that the variant is very likely to be associated with disease. At least one publication reports experimental evidence evaluating an impact on protein function. The most pronounced variant effect results in 30%-50% of normal activity in patient cells (example, Mahdieh_2021). The following publications have been ascertained in the context of this evaluation (PMID: 34554397, 33385934). No submitters have cited clinical-significance assessments for this variant to ClinVar. Based on the evidence outlined above, the variant was classified as pathogenic.

Literature cited by the submitters: PubMed 34554397; PubMed 33385934.